The following is an entry in ClinVar:

NM_001142864.4(PIEZO1):c.3385G>T (p.Gly1129Cys)

Gene: PIEZO1 (piezo type mechanosensitive ion channel component 1 (Er blood group); minus strand). Cytogenetic location: 16q24.3.
Variant type: single nucleotide variant.
Coding change: c.3385G>T on transcript NM_001142864.4 (MANE Select); coding-DNA position 3385, G replaced by T.
Protein change: p.Gly1129Cys; replaces glycine 1129 with cysteine.
Molecular consequence: missense variant.
Genome position (GRCh38, 1-based): chr16:88,727,109, C>A on the plus strand (G>T on the coding strand, the complement: PIEZO1 is on the minus strand). VCF-style: chr16-88727109-C-A. GRCh37 (hg19) VCF-style: chr16-88793517-C-A.
Other names: short protein forms G1129C.
Identifiers: ClinVar variation 4874822 (VCV004874822.2).

ClinVar aggregate classification (germline): Uncertain significance (1 of 4 stars; one submission).

Submission:

CeGaT Center for Human Genetics Tuebingen
Classification: Uncertain significance. Last evaluated: 2026-04-01. Review status: criteria provided, single submitter. Criteria: CeGaT Center For Human Genetics Tuebingen Variant Classification Criteria Version 2. Collection method: clinical testing. Allele origin: germline. Affected: yes. Observed: 1 variant allele.
Comment: PIEZO1: PM2